The following is an entry in ClinVar:

ClinVar aggregate classification (germline): Uncertain significance (1 of 4 stars; one submission).

Allele frequency attached by ClinVar (database versions not stated): gnomAD exomes below 0.00001; ExAC 0.00001.
gnomAD v4.1: 2 of 1,613,422 alleles (0.00012%); highest among the groups gnomAD compares: Non-Finnish European, 0.00017%; no homozygotes.

Submission:

Labcorp Genetics (formerly Invitae), Labcorp
Classification: Uncertain significance. Last evaluated: 2021-10-07. Review status: criteria provided, single submitter. Criteria: Invitae Variant Classification Sherloc (09022015). Collection method: clinical testing. Allele origin: germline.
Comment: In summary, the available evidence is currently insufficient to determine the role of this variant in disease. Therefore, it has been classified as a Variant of Uncertain Significance. Algorithms developed to predict the effect of missense changes on protein structure and function are either unavailable or do not agree on the potential impact of this missense change (SIFT: "Deleterious"; PolyPhen-2: "Benign"; Align-GVGD: "Class C0"). This variant has not been reported in the literature in individuals affected with RIMS1-related conditions. This variant is present in population databases (rs771939866, ExAC 0.002%). This sequence change replaces valine with phenylalanine at codon 1233 of the RIMS1 protein (p.Val1233Phe). The valine residue is weakly conserved and there is a small physicochemical difference between valine and phenylalanine.

NM_014989.7(RIMS1):c.3697G>T (p.Val1233Phe)

Gene: RIMS1 (regulating synaptic membrane exocytosis 1; plus strand). Cytogenetic location: 6q13.
Variant type: single nucleotide variant.
Coding change: c.3697G>T on transcript NM_014989.7 (MANE Select); coding-DNA position 3697, G replaced by T.
Protein change: p.Val1233Phe; replaces valine 1233 with phenylalanine.
Molecular consequence: missense variant. On other transcripts: intron variant (56).
Genome position (GRCh38, 1-based): chr6:72,290,821, G>T. VCF-style: chr6-72290821-G-T. GRCh37 (hg19) VCF-style: chr6-73000524-G-T.
Other names: c.1771G>T, p.Val591Phe (NM_001350420.2); c.1753G>T, p.Val585Phe (NM_001350431.2); c.1840G>T, p.Val614Phe (NM_001350438.2, NM_001350456.2); c.1843G>T, p.Val615Phe (NM_001350442.2, NM_001350446.2); c.1702G>T, p.Val568Phe (NM_001350462.2); c.1632-1113G>T (NM_001350428.2); c.1560-1113G>T (NM_001350459.2, NM_001350424.2); c.1641-1113G>T (NM_001350437.2); and 31 more; short protein forms V1233F, V591F, V615F, V568F, V585F, V614F.
Identifiers: ClinVar variation 1449747 (VCV001449747.6), dbSNP rs771939866, ClinGen allele CA3886320.
Genomic context (GRCh38, chr6:72,290,821, plus strand): 5'-GCTCGCTCAAGGTCGAGTGAGCACTCTAGTATCAGAACACTGTGTTCTATGCACCACCTT[G>T]TCCCTGGAGGGTCGGCGCCACCTTCTCCGCTTCTGACAAGGTCGCTATTCAGTGTCCCCC-3'
Protein context (NP_055804.2, residues 1223-1243): IRTLCSMHHL[Val1233Phe]PGGSAPPSPL